The following is an entry in ClinVar:

ClinVar aggregate classification (germline): Likely benign. Review status: criteria provided, multiple submitters, no conflicts (2 of 4 stars). 2 submissions from 2 submitters: Likely benign (2). Last evaluated 2024-07-08.

Conditions:
Catecholaminergic polymorphic ventricular tachycardia (CVPT). Also called: Catecholamine-induced polymorphic ventricular tachycardia. Identifiers: Orphanet 3286, MedGen C5574922, MONDO:0017990.
Catecholaminergic polymorphic ventricular tachycardia 1. Also called: VENTRICULAR TACHYCARDIA, CATECHOLAMINERGIC POLYMORPHIC, 1, WITH OR WITHOUT ATRIAL DYSFUNCTION AND/OR DILATED CARDIOMYOPATHY; VENTRICULAR TACHYCARDIA, STRESS-INDUCED POLYMORPHIC 1; RYR2-Related Catecholaminergic Polymorphic Ventricular Tachycardia. Identifiers: Orphanet 3286, MedGen C1631597, MONDO:0011484, OMIM 604772.

gnomAD v4.1: 2 of 1,543,418 alleles (0.00013%); highest among the groups gnomAD compares: East Asian, 0.0025%; no homozygotes.

Submissions (2):

Labcorp Genetics (formerly Invitae), Labcorp
Classification: Likely benign for Catecholaminergic polymorphic ventricular tachycardia 1. Last evaluated: 2024-07-08. Review status: criteria provided, single submitter. Criteria: Invitae Variant Classification Sherloc (09022015). Collection method: clinical testing. Allele origin: germline.

All of Us Research Program, National Institutes of Health
Classification: Likely benign for Catecholaminergic polymorphic ventricular tachycardia. Last evaluated: 2024-02-22. Review status: criteria provided, single submitter. Criteria: ACMG Guidelines, 2015. Collection method: clinical testing. Allele origin: germline. Inheritance: Autosomal dominant inheritance. Observed: 1 variant allele, 1 heterozygote.
Comment: This study involves interpretation of variants in research participants for the purpose of population health screening. Participant phenotype was not available at the time of variant classification. Additional details can be found in publication PMID: 35346344, PMCID: PMC8962531

NM_001035.3(RYR2):c.8316C>T (p.Arg2772=)

Gene: RYR2 (ryanodine receptor 2; plus strand). Cytogenetic location: 1q43.
Variant type: single nucleotide variant.
Coding change: c.8316C>T on transcript NM_001035.3 (MANE Select); coding-DNA position 8316, C replaced by T.
Protein change: p.Arg2772=; no amino-acid change (arginine 2772 retained).
Molecular consequence: synonymous variant.
Genome position (GRCh38, 1-based): chr1:237,660,827, C>T. VCF-style: chr1-237660827-C-T. GRCh37 (hg19) VCF-style: chr1-237824127-C-T.
Identifiers: ClinVar variation 3385791 (VCV003385791.3).